The following is an entry in ClinVar:

NM_007129.5(ZIC2):c.1395GGC[5] (p.Ala470_Val471insAla)

Genes: ZIC2 (Zic family zinc finger 2; plus strand), LOC110008580 (Zic family member 2 polyalanine repeat instability region; plus strand). Cytogenetic location: 13q32.3.
Variant type: Microsatellite.
Coding change: c.1395GGC[5] on transcript NM_007129.5 (MANE Select); five copies in a row of the 3-base unit GGC starting at c.1395; the reference has four copies in a row; one copy, 3 bases duplicated.
Protein change: p.Ala470_Val471insAla.
Molecular consequence: inframe insertion.
Genome position (GRCh38, 1-based): chr13:99,985,487-99,985,489, GGC duplicated; duplicating any 3 consecutive bases within chr13:99,985,476-99,985,489 gives the same sequence; the position shown is the placement nearest the transcript's 3' end. VCF-style (leftmost placement, unchanged base first): chr13-99985475-T-TGCG. GRCh37 (hg19) VCF-style: chr13-100637729-T-TGCG.
Identifiers: ClinVar variation 2727018 (VCV002727018.3), dbSNP rs753250735, ClinGen allele CA612358359.
Genomic context (GRCh38, chr13:99,985,475, plus strand): 5'-CGCCGAGCCCCAGAGCAGCTCCAACCTGTCCCCAGCGGCGGCGGCAGCGGCGGCGGCGGC[T>TGCG]GCGGCGGCGGCGGCCGCGGTGTCCGCGGTGCACCGGGGCGGAGGCTCGGGCAGTGGCGGC-3'

ClinVar aggregate classification (germline): Uncertain significance (1 of 4 stars; one submission).

Conditions:
Holoprosencephaly 5 (HPE5). Identifiers: Orphanet 2162, MedGen C1864827, MONDO:0012322, OMIM 609637.

Submission:

Labcorp Genetics (formerly Invitae), Labcorp
Classification: Uncertain significance for Holoprosencephaly 5. Last evaluated: 2024-09-06. Review status: criteria provided, single submitter. Criteria: Invitae Variant Classification Sherloc (09022015). Collection method: clinical testing. Allele origin: germline.
Comment: This variant, c.1404_1406dup, results in the insertion of 1 amino acid(s) of the ZIC2 protein (p.Ala470dup), but otherwise preserves the integrity of the reading frame. The frequency data for this variant in the population databases is considered unreliable, as metrics indicate poor data quality at this position in the gnomAD database. This variant has been observed in individual(s) with holoprosencephaly (PMID: 21940735). Experimental studies and prediction algorithms are not available or were not evaluated, and the functional significance of this variant is currently unknown. In summary, the available evidence is currently insufficient to determine the role of this variant in disease. Therefore, it has been classified as a Variant of Uncertain Significance.

Literature cited by the submitters: PubMed 21940735.